The following is an entry in ClinVar:

ClinVar aggregate classification (germline): Conflicting classifications of pathogenicity. Review status: criteria provided, conflicting classifications (1 of 4 stars). 8 submissions from 7 submitters: Uncertain significance (2); Benign (1); Likely benign (4). 1 of the submissions does not count toward it. Last evaluated 2026-01-27.

Conditions:
HSPG2-related disorder. Also called: HSPG2-related condition; HSPG2-related disorders.
Lethal Kniest-like syndrome (DDSH). Also called: Dyssegmental Dysplasia. Identifiers: Orphanet 1865, MedGen C1857100, MONDO:0009140, OMIM 224410.
Schwartz-Jampel syndrome. Also called: Myotonic myopathy dwarfism chondrodystrophy and ocular and facial abnormalities. Identifiers: Orphanet 800, MedGen C0036391, MONDO:0009717.

Allele frequency attached by ClinVar (database versions not stated): 1000 Genomes Project 30x 0.00031; 1000 Genomes Project 0.00040; ESP Exome Variant Server 0.00077; gnomAD exomes 0.00157 and 0.00178; TOPMed 0.00167; gnomAD 0.00171 and 0.00245; ExAC 0.00221.
gnomAD v4.1: 2,865 of 1,590,636 alleles (0.18%); highest among the groups gnomAD compares: Non-Finnish European, 0.18%; 12 homozygotes.

Submissions (8):

Labcorp Genetics (formerly Invitae), Labcorp
Classification: Benign. Last evaluated: 2026-01-27. Review status: criteria provided, single submitter. Criteria: Invitae Variant Classification Sherloc (09022015). Collection method: clinical testing. Allele origin: germline.

CeGaT Center for Human Genetics Tuebingen
Classification: Likely benign. Last evaluated: 2025-01-01. Review status: criteria provided, single submitter. Criteria: CeGaT Center For Human Genetics Tuebingen Variant Classification Criteria Version 2. Collection method: clinical testing. Allele origin: germline. Affected: yes. Observed: 2 variant alleles.
Comment: HSPG2: BS2

Blueprint Genetics
Classification: Likely benign. Last evaluated: 2024-11-21. Review status: criteria provided, single submitter. Criteria: ACMG Guidelines, 2015. Collection method: clinical testing. Allele origin: germline.

Athena Diagnostics
Classification: Likely benign. Last evaluated: 2024-10-11. Review status: criteria provided, single submitter. Criteria: Athena Diagnostics Criteria. Collection method: clinical testing. Allele origin: unknown.

GeneDx
Classification: Likely benign. Last evaluated: 2020-11-02. Review status: criteria provided, single submitter. Criteria: GeneDx Variant Classification Process June 2021. Collection method: clinical testing. Allele origin: germline. Affected: yes.

Illumina Laboratory Services, Illumina
Classification: Uncertain significance for Schwartz-Jampel syndrome type 1. Last evaluated: 2018-01-13. Review status: criteria provided, single submitter. Criteria: ICSL Variant Classification Criteria 13 December 2019. Collection method: clinical testing. Allele origin: germline.

Illumina Laboratory Services, Illumina
Classification: Uncertain significance for Lethal Kniest-like syndrome. Last evaluated: 2018-01-13. Review status: criteria provided, single submitter. Criteria: ICSL Variant Classification Criteria 13 December 2019. Collection method: clinical testing. Allele origin: germline.

PreventionGenetics, part of Exact Sciences
Classification: Benign for HSPG2-related condition. Last evaluated: 2019-06-24. Review status: no assertion criteria provided. Collection method: clinical testing. Allele origin: germline. Not counted in ClinVar's aggregate classification.
Comment: This variant is classified as benign based on ACMG/AMP sequence variant interpretation guidelines (Richards et al. 2015 PMID: 25741868, with internal and published modifications).

Literature cited by the submitters: PubMed 36619171 (cited by Athena Diagnostics).

NM_005529.7(HSPG2):c.4489T>A (p.Phe1497Ile)

Gene: HSPG2 (heparan sulfate proteoglycan 2; minus strand). Cytogenetic location: 1p36.12.
Variant type: single nucleotide variant.
Coding change: c.4489T>A on transcript NM_005529.7 (MANE Select); coding-DNA position 4489, T replaced by A.
Protein change: p.Phe1497Ile; replaces phenylalanine 1497 with isoleucine.
Molecular consequence: missense variant.
Genome position (GRCh38, 1-based): chr1:21,864,980, A>T on the plus strand (T>A on the coding strand, the complement: HSPG2 is on the minus strand). VCF-style: chr1-21864980-A-T. GRCh37 (hg19) VCF-style: chr1-22191473-A-T.
Other names: c.4492T>A, p.Phe1498Ile (NM_001291860.2); short protein forms F1497I, F1498I.
Identifiers: ClinVar variation 295844 (VCV000295844.40), dbSNP rs138460117, ClinGen allele CA672259.
Genomic context (GRCh38, chr1:21,864,980, plus strand): 5'-CCGGCTGGGCGACCTCCAGGCTGACTGCGCTGATGCTGGCCGCCAGCGGCACGGAGGAGA[A>T]CGTGGCCCGGATCAGGAGCTCATCCAGGTCGGCCAGTGCCATCAGGAGGTGCTCGCGTGT-3'
Protein context (NP_005520.4, residues 1487-1507): DLDELLIRAT[Phe1497Ile]SSVPLAASIS